The following is an entry in ClinVar:

NM_006261.5(PROP1):c.-6C>A

Gene: PROP1 (PROP paired-like homeobox 1; minus strand). Cytogenetic location: 5q35.3.
Variant type: single nucleotide variant.
Coding change: c.-6C>A on transcript NM_006261.5 (MANE Select); 6 bases upstream of the start codon, C replaced by A.
Molecular consequence: 5 prime UTR variant.
Genome position (GRCh38, 1-based): chr5:177,995,939, G>T on the plus strand (C>A on the coding strand, the complement: PROP1 is on the minus strand). VCF-style: chr5-177995939-G-T. GRCh37 (hg19) VCF-style: chr5-177422940-G-T.
Identifiers: ClinVar variation 3338899 (VCV003338899.1).

ClinVar aggregate classification (germline): Uncertain significance (1 of 4 stars; one submission).

gnomAD v4.1: 42 of 1,610,300 alleles (0.0026%); highest among the groups gnomAD compares: East Asian, 0.049%; no homozygotes.

Submission:

Women's Health and Genetics/Laboratory Corporation of America, LabCorp
Classification: Uncertain significance. Last evaluated: 2024-07-12. Review status: criteria provided, single submitter. Criteria: LabCorp Variant Classification Summary - May 2015. Collection method: clinical testing. Allele origin: germline.
Comment: Variant summary: PROP1 c.-6C>A is located in the untranslated mRNA region upstream of the initiation codon. The variant allele was found at a frequency of 2.6e-05 in 1610300 control chromosomes, predominantly at a frequency of 0.00049 within the East Asian subpopulation in the gnomAD database. This frequency is not significantly higher than estimated for a pathogenic variant in PROP1 causing Combined Pituitary Hormone Deficiency (2.6e-05 vs 0.0041), allowing no conclusion about variant significance. To our knowledge, no occurrence of c.-6C>A in individuals affected with Combined Pituitary Hormone Deficiency and no experimental evidence demonstrating its impact on protein function have been reported. No submitters have cited clinical-significance assessments for this variant to ClinVar. Based on the evidence outlined above, the variant was classified as uncertain significance.